The following is an entry in ClinVar:

ClinVar aggregate classification (germline): Uncertain significance (1 of 4 stars; one submission).

Conditions:
Werner syndrome (WRN). Identifiers: Orphanet 902, MedGen C0043119, MONDO:0010196, OMIM 277700.

gnomAD v4.1: 2 of 1,613,898 alleles (0.00012%); highest among the groups gnomAD compares: Non-Finnish European, 0.00017%; no homozygotes.

Submission:

Labcorp Genetics (formerly Invitae), Labcorp
Classification: Uncertain significance for Werner syndrome. Last evaluated: 2022-09-22. Review status: criteria provided, single submitter. Criteria: Invitae Variant Classification Sherloc (09022015). Collection method: clinical testing. Allele origin: germline.
Comment: In summary, the available evidence is currently insufficient to determine the role of this variant in disease. Therefore, it has been classified as a Variant of Uncertain Significance. Algorithms developed to predict the effect of missense changes on protein structure and function are either unavailable or do not agree on the potential impact of this missense change (SIFT: "Not Available"; PolyPhen-2: "Probably Damaging"; Align-GVGD: "Not Available"). ClinVar contains an entry for this variant (Variation ID: 1382167). This variant has not been reported in the literature in individuals affected with WRN-related conditions. This variant is not present in population databases (gnomAD no frequency). This sequence change replaces cysteine, which is neutral and slightly polar, with tyrosine, which is neutral and polar, at codon 771 of the WRN protein (p.Cys771Tyr).

NM_000553.6(WRN):c.2312G>A (p.Cys771Tyr)

Gene: WRN (WRN RecQ like helicase; plus strand). Cytogenetic location: 8p12.
Variant type: single nucleotide variant.
Coding change: c.2312G>A on transcript NM_000553.6 (MANE Select); coding-DNA position 2312, G replaced by A.
Protein change: p.Cys771Tyr; replaces cysteine 771 with tyrosine.
Molecular consequence: missense variant.
Genome position (GRCh38, 1-based): chr8:31,116,392, G>A. VCF-style: chr8-31116392-G-A. GRCh37 (hg19) VCF-style: chr8-30973908-G-A.
Other names: short protein forms C771Y.
Identifiers: ClinVar variation 1382167 (VCV001382167.8), dbSNP rs746161973, ClinGen allele CA370913473.
Genomic context (GRCh38, chr8:31,116,392, plus strand): 5'-TTTTGTTCTTCTTTTTCTTTAGTTCCCACTGGGAATTTGAAGGTCCAACAATCATCTACT[G>A]TCCTTCTAGAAAAATGACACAACAAGTTACAGGTGAACTTAGGAAACTGAATCTATCCTG-3'
Protein context (NP_000544.2, residues 761-781): WEFEGPTIIY[Cys771Tyr]PSRKMTQQVT